The following is an entry in ClinVar:

NM_020442.6(VARS2):c.883C>T (p.Arg295Trp)

Gene: VARS2 (valyl-tRNA synthetase 2, mitochondrial; plus strand). Cytogenetic location: 6p21.33.
Variant type: single nucleotide variant.
Coding change: c.883C>T on transcript NM_020442.6 (MANE Select); coding-DNA position 883, C replaced by T.
Protein change: p.Arg295Trp; replaces arginine 295 with tryptophan.
Molecular consequence: missense variant.
Genome position (GRCh38, 1-based): chr6:30,917,704, C>T. VCF-style: chr6-30917704-C-T. GRCh37 (hg19) VCF-style: chr6-30885481-C-T.
Other names: c.463C>T, p.Arg155Trp (NM_001167733.3); c.973C>T, p.Arg325Trp (NM_001167734.2); short protein forms R325W, R155W, R295W.
Identifiers: ClinVar variation 2259315 (VCV002259315.3), dbSNP rs547643843, ClinGen allele CA136805508.
Genomic context (GRCh38, chr6:30,917,704, plus strand): 5'-TGAGCCTTGCAGAAAGGCTGCCCTCTGACCCAGCTTTCTCGGTGCCTCCAGGTGGAGAAC[C>T]GGCCCCTGCCTGGCCACACACAGCTTCGACTGCCTGGCTGCCCCACCCCCGTGTCTTTTG-3'
Protein context (NP_065175.4, residues 285-305): SAISDIEVEN[Arg295Trp]PLPGHTQLRL

ClinVar aggregate classification (germline): Uncertain significance. Review status: criteria provided, multiple submitters, no conflicts (2 of 4 stars). 2 submissions from 2 submitters: Uncertain significance (2). Last evaluated 2023-05-08.

Conditions:
Inborn genetic diseases. Identifiers: MedGen C0950123, MeSH D030342.

Allele frequency attached by ClinVar (database versions not stated): gnomAD 0.00001; TOPMed 0.00001; gnomAD exomes 0.00002.

Submissions (2):

GeneDx
Classification: Uncertain significance. Last evaluated: 2023-05-08. Review status: criteria provided, single submitter. Criteria: GeneDx Variant Classification Process June 2021. Collection method: clinical testing. Allele origin: germline. Affected: yes.
Comment: Not observed at significant frequency in large population cohorts (gnomAD); In silico analysis supports that this missense variant has a deleterious effect on protein structure/function; Has not been previously published as pathogenic or benign to our knowledge

Ambry Genetics
Classification: Uncertain significance for Inborn genetic diseases. Last evaluated: 2021-11-16. Review status: criteria provided, single submitter. Criteria: Ambry Variant Classification Scheme 2023. Collection method: clinical testing. Allele origin: germline.